The following is an entry in ClinVar:

NM_001130438.3(SPTAN1):c.836C>T (p.Ala279Val)

Gene: SPTAN1 (spectrin alpha, non-erythrocytic 1; plus strand). Cytogenetic location: 9q34.11.
Variant type: single nucleotide variant.
Coding change: c.836C>T on transcript NM_001130438.3 (MANE Select); coding-DNA position 836, C replaced by T.
Protein change: p.Ala279Val; replaces alanine 279 with valine.
Molecular consequence: missense variant.
Genome position (GRCh38, 1-based): chr9:128,577,179, C>T. VCF-style: chr9-128577179-C-T. GRCh37 (hg19) VCF-style: chr9-131339458-C-T.
Other names: c.836C>T, p.Ala279Val (NM_001195532.2, NM_001363759.2, NM_001363765.2 and 10 more transcripts); c.872C>T, p.Ala291Val (NM_001375312.2, NM_001375318.1, NM_001438440.1); short protein forms A279V, A291V.
Identifiers: ClinVar variation 4801839 (VCV004801839.1).

ClinVar aggregate classification (germline): Uncertain significance (1 of 4 stars; one submission).

Conditions:
Early-infantile DEE. Also called: Early infantile epileptic encephalopathy; Early infantile epileptic encephalopathy with suppression bursts; Ohtahara syndrome. Identifiers: Orphanet 1934, MedGen C0393706, MONDO:0800491.

Submission:

Labcorp Genetics (formerly Invitae), Labcorp
Classification: Uncertain significance for Early-infantile DEE. Last evaluated: 2025-10-29. Review status: criteria provided, single submitter. Criteria: Invitae Variant Classification Sherloc (09022015). Collection method: clinical testing. Allele origin: germline.
Comment: This sequence change replaces alanine, which is neutral and non-polar, with valine, which is neutral and non-polar, at codon 279 of the SPTAN1 protein (p.Ala279Val). This variant is not present in population databases (gnomAD no frequency). This variant has not been reported in the literature in individuals affected with SPTAN1-related conditions. Invitae Evidence Modeling of protein sequence and biophysical properties (such as structural, functional, and spatial information, amino acid conservation, physicochemical variation, residue mobility, and thermodynamic stability) has been performed for this missense variant. However, the output from this modeling did not meet the statistical confidence thresholds required to predict the impact of this variant on SPTAN1 protein function. In summary, the available evidence is currently insufficient to determine the role of this variant in disease. Therefore, it has been classified as a Variant of Uncertain Significance.